The following is an entry in ClinVar:

NM_001430.5(EPAS1):c.2403A>C (p.Pro801=)

Gene: EPAS1 (endothelial PAS domain protein 1; plus strand). Cytogenetic location: 2p21.
Variant type: single nucleotide variant.
Coding change: c.2403A>C on transcript NM_001430.5 (MANE Select); coding-DNA position 2403, A replaced by C.
Protein change: p.Pro801=; no amino-acid change (proline 801 retained).
Molecular consequence: synonymous variant.
Genome position (GRCh38, 1-based): chr2:46,382,540, A>C. VCF-style: chr2-46382540-A-C. GRCh37 (hg19) VCF-style: chr2-46609679-A-C.
Identifiers: ClinVar variation 1790759 (VCV001790759.26), dbSNP rs750247857, ClinGen allele CA1645341.
Genomic context (GRCh38, chr2:46,382,540, plus strand): 5'-GCTGCCACAGCCTCCATCTGCCATCAGTCCCGGGGAGAACAGCAAGAGCAGGTTCCCCCC[A>C]CAGTGCTACGCCACCCAGTACCAGGACTACAGCCTGTCGTCAGCCCACAAGGTGTCAGGT-3'
Protein context (NP_001421.2, residues 791-811): PGENSKSRFP[Pro801=]QCYATQYQDY

ClinVar aggregate classification (germline): Likely benign. Review status: criteria provided, multiple submitters, no conflicts (2 of 4 stars). 2 submissions from 2 submitters: Likely benign (2). Last evaluated 2022-06-02.

Conditions:
Inborn genetic diseases. Identifiers: MedGen C0950123, MeSH D030342.

Allele frequency attached by ClinVar (database versions not stated): gnomAD exomes 0.00001; ExAC 0.00002; TOPMed 0.00002.
gnomAD v4.1: 16 of 1,614,042 alleles (0.00099%); highest among the groups gnomAD compares: African/African-American, 0.0013%; no homozygotes.

Submissions (2):

Ambry Genetics
Classification: Likely benign for Inborn genetic diseases. Last evaluated: 2022-06-02. Review status: criteria provided, single submitter. Criteria: Ambry Variant Classification Scheme 2023. Collection method: clinical testing. Allele origin: germline.

CeGaT Center for Human Genetics Tuebingen
Classification: Likely benign. Last evaluated: 2022-06-01. Review status: criteria provided, single submitter. Criteria: CeGaT Center For Human Genetics Tuebingen Variant Classification Criteria Version 2. Collection method: clinical testing. Allele origin: germline. Affected: yes. Observed: 2 variant alleles.
Comment: EPAS1: BP4, BP7